The following is an entry in ClinVar:

ClinVar aggregate classification (germline): Uncertain significance. Review status: criteria provided, multiple submitters, no conflicts (2 of 4 stars). 4 submissions from 4 submitters: Uncertain significance (3). 1 of the submissions does not count toward it. Last evaluated 2022-07-23.

Conditions:
Meckel-Gruber syndrome. Also called: Dysencephalia splachnocystica; DYSENCEPHALIA SPLANCHNOCYSTICA; GRUBER SYNDROME. Identifiers: Orphanet 564, MedGen C0265215, MONDO:0018921.
Joubert syndrome. Also called: Familial aplasia of the vermis; JOUBERT-BOLTSHAUSER SYNDROME. Identifiers: Orphanet 475, MedGen C5979921, MONDO:0018772.
TMEM67-related disorder. Also called: TMEM67-related disorders; TMEM67-related condition. Identifiers: MedGen CN239423.
Inborn genetic diseases. Identifiers: MedGen C0950123, MeSH D030342.

Allele frequency attached by ClinVar (database versions not stated): ExAC 0.00001; gnomAD 0.00001; gnomAD exomes 0.00001; TOPMed 0.00001.

Submissions (4):

Labcorp Genetics (formerly Invitae), Labcorp
Classification: Uncertain significance for Joubert syndrome; Meckel-Gruber syndrome. Last evaluated: 2022-07-23. Review status: criteria provided, single submitter. Criteria: Invitae Variant Classification Sherloc (09022015). Collection method: clinical testing. Allele origin: germline.
Comment: This sequence change replaces glutamic acid, which is acidic and polar, with lysine, which is basic and polar, at codon 324 of the TMEM67 protein (p.Glu324Lys). This variant is present in population databases (rs746031788, gnomAD 0.0009%). This variant has not been reported in the literature in individuals affected with TMEM67-related conditions. Advanced modeling of protein sequence and biophysical properties (such as structural, functional, and spatial information, amino acid conservation, physicochemical variation, residue mobility, and thermodynamic stability) performed at Invitae indicates that this missense variant is not expected to disrupt TMEM67 protein function. In summary, the available evidence is currently insufficient to determine the role of this variant in disease. Therefore, it has been classified as a Variant of Uncertain Significance.

GeneDx
Classification: Uncertain significance. Last evaluated: 2022-03-17. Review status: criteria provided, single submitter. Criteria: GeneDx Variant Classification Process June 2021. Collection method: clinical testing. Allele origin: germline. Affected: yes.
Comment: Not observed at significant frequency in large population cohorts (gnomAD); In silico analysis supports that this missense variant does not alter protein structure/function; Has not been previously published as pathogenic or benign to our knowledge

Ambry Genetics
Classification: Uncertain significance for Inborn genetic diseases. Last evaluated: 2021-06-18. Review status: criteria provided, single submitter. Criteria: Ambry Variant Classification Scheme 2023. Collection method: clinical testing. Allele origin: germline.

PreventionGenetics, part of Exact Sciences
Classification: Uncertain significance for TMEM67-related condition. Last evaluated: 2024-07-19. Review status: no assertion criteria provided. Collection method: clinical testing. Allele origin: germline. Not counted in ClinVar's aggregate classification.
Comment: The TMEM67 c.970G>A variant is predicted to result in the amino acid substitution p.Glu324Lys. To our knowledge, this variant has not been reported in the literature. This variant is reported in 0.00088% of alleles in individuals of European (Non-Finnish) descent in gnomAD. At this time, the clinical significance of this variant is uncertain due to the absence of conclusive functional and genetic evidence.

NM_153704.6(TMEM67):c.970G>A (p.Glu324Lys)

Gene: TMEM67 (transmembrane protein 67; plus strand). Cytogenetic location: 8q22.1.
Variant type: single nucleotide variant.
Coding change: c.970G>A on transcript NM_153704.6 (MANE Select); coding-DNA position 970, G replaced by A.
Protein change: p.Glu324Lys; replaces glutamic acid 324 with lysine.
Molecular consequence: missense variant. On other transcripts: non-coding transcript variant (1).
Genome position (GRCh38, 1-based): chr8:93,780,974, G>A. VCF-style: chr8-93780974-G-A. GRCh37 (hg19) VCF-style: chr8-94793202-G-A.
Other names: c.727G>A, p.Glu243Lys (NM_001142301.1); short protein forms E243K, E324K.
Identifiers: ClinVar variation 1706138 (VCV001706138.6), dbSNP rs746031788, ClinGen allele CA4807821.